The following is an entry in ClinVar:

NM_000124.4(ERCC6):c.543+4del

Gene: ERCC6 (ERCC excision repair 6, chromatin remodeling factor; minus strand). Cytogenetic location: 10q11.23.
Variant type: Deletion.
Coding change: c.543+4del on transcript NM_000124.4 (MANE Select); 4 bases into the intron after coding-DNA position 543, one base deleted (A; older notation c.543+4delA).
Molecular consequence: intron variant.
Genome position (GRCh38, 1-based): chr10:49,530,716, T deleted on the plus strand (A on the coding strand, the reverse complement: ERCC6 is on the minus strand). VCF-style (leftmost placement, unchanged base first): chr10-49530715-AT-A. GRCh37 (hg19) VCF-style: chr10-50738761-AT-A.
Other names: c.543+4del (NM_001346440.2, NM_001277059.2, NM_001277058.2 and 1 more transcripts).
Identifiers: ClinVar variation 143186 (VCV000143186.9), dbSNP rs527236039, ClinGen allele CA270164.

ClinVar aggregate classification (germline): Pathogenic. Review status: criteria provided, single submitter (1 of 4 stars). 2 submissions from 2 submitters: Pathogenic (1). 1 of the submissions does not count toward it. Last evaluated 2025-04-16.

Conditions:
Cockayne syndrome type 2 (CSB). Also called: COCKAYNE SYNDROME B; Cockayne Syndrome, Type II. Identifiers: Orphanet 191, Orphanet 90322, MedGen C0751038, MONDO:0019570, OMIM 133540.

Allele frequency attached by ClinVar (database versions not stated): gnomAD exomes below 0.00001; TOPMed below 0.00001; gnomAD 0.00001; ExAC 0.00002.

Submissions (2):

Labcorp Genetics (formerly Invitae), Labcorp
Classification: Pathogenic. Last evaluated: 2025-04-16. Review status: criteria provided, single submitter. Criteria: Invitae Variant Classification Sherloc (09022015). Collection method: clinical testing. Allele origin: germline.
Comment: This sequence change falls in intron 3 of the ERCC6 gene. It does not directly change the encoded amino acid sequence of the ERCC6 protein. It affects a nucleotide within the consensus splice site. This variant is present in population databases (rs527236039, gnomAD 0.0009%). This variant has been observed in individuals with Cockayne syndrome (PMID: 25251875, 29572252). It has also been observed to segregate with disease in related individuals. ClinVar contains an entry for this variant (Variation ID: 143186). Algorithms developed to predict the effect of variants on gene product structure and function are not available or were not evaluated for this variant. Experimental studies have shown that this variant affects ERCC6 function (PMID: 25251875). Variants that disrupt the consensus splice site are a relatively common cause of aberrant splicing (PMID: 17576681, 9536098). Algorithms developed to predict the effect of sequence changes on RNA splicing suggest that this variant may disrupt the consensus splice site. For these reasons, this variant has been classified as Pathogenic.

Undiagnosed Diseases Program Translational Research Laboratory, National Institutes of Health
Classification: Pathogenic for Cockayne syndrome, type B. Review status: no assertion criteria provided. Collection method: not provided. Allele origin: inherited. Not counted in ClinVar's aggregate classification.
ClinVar note: Converted during submission from pathogenic to Pathogenic.

Literature cited by the submitters: PubMed 25251875 (cited by Labcorp Genetics (formerly Invitae), Labcorp); PubMed 29572252 (cited by Labcorp Genetics (formerly Invitae), Labcorp); PubMed 17576681 (cited by Labcorp Genetics (formerly Invitae), Labcorp); PubMed 9536098 (cited by Labcorp Genetics (formerly Invitae), Labcorp).